The following is an entry in ClinVar:

NM_022167.4(XYLT2):c.1907G>A (p.Arg636His)

Gene: XYLT2 (xylosyltransferase 2; plus strand). Cytogenetic location: 17q21.33.
Variant type: single nucleotide variant.
Coding change: c.1907G>A on transcript NM_022167.4 (MANE Select); coding-DNA position 1907, G replaced by A.
Protein change: p.Arg636His; replaces arginine 636 with histidine.
Molecular consequence: missense variant.
Genome position (GRCh38, 1-based): chr17:50,357,218, G>A. VCF-style: chr17-50357218-G-A. GRCh37 (hg19) VCF-style: chr17-48434579-G-A.
Other names: short protein forms R636H.
Identifiers: ClinVar variation 778714 (VCV000778714.12), dbSNP rs148392268, ClinGen allele CA8646596.

ClinVar aggregate classification (germline): Likely benign. Review status: criteria provided, single submitter (1 of 4 stars). 2 submissions from 2 submitters: Likely benign (1). 1 of the submissions does not count toward it. Last evaluated 2026-01-26.

Conditions:
XYLT2-related disorder. Also called: XYLT2-related condition.

Allele frequency attached by ClinVar (database versions not stated): gnomAD exomes 0.00007 and 0.00020; ExAC 0.00034; gnomAD 0.00063 and 0.00069; TOPMed 0.00077; 1000 Genomes Project 0.00080; 1000 Genomes Project 30x 0.00094; ESP Exome Variant Server 0.00100.

Submissions (2):

Labcorp Genetics (formerly Invitae), Labcorp
Classification: Likely benign. Last evaluated: 2026-01-26. Review status: criteria provided, single submitter. Criteria: Invitae Variant Classification Sherloc (09022015). Collection method: clinical testing. Allele origin: germline.

PreventionGenetics, part of Exact Sciences
Classification: Likely benign for XYLT2-related condition. Last evaluated: 2022-10-03. Review status: no assertion criteria provided. Collection method: clinical testing. Allele origin: germline. Not counted in ClinVar's aggregate classification.
Comment: This variant is classified as likely benign based on ACMG/AMP sequence variant interpretation guidelines (Richards et al. 2015 PMID: 25741868, with internal and published modifications).